The following is an entry in ClinVar:

ClinVar aggregate classification (germline): Uncertain significance (1 of 4 stars; one submission).

gnomAD v4.1: 10 of 1,614,236 alleles (0.00062%); highest among the groups gnomAD compares: South Asian, 0.011%; no homozygotes.

Submission:

GeneDx
Classification: Uncertain significance. Last evaluated: 2025-04-15. Review status: criteria provided, single submitter. Criteria: GeneDx Variant Classification Process June 2021. Collection method: clinical testing. Allele origin: germline. Affected: yes.
Comment: Not observed at significant frequency in large population cohorts (gnomAD); In silico analysis indicates that this variant does not alter splicing; Has not been previously published as pathogenic or benign to our knowledge

NM_004544.4(NDUFA10):c.543G>A (p.Lys181=)

Gene: NDUFA10 (NADH:ubiquinone oxidoreductase subunit A10; minus strand). Cytogenetic location: 2q37.3.
Variant type: single nucleotide variant.
Coding change: c.543G>A on transcript NM_004544.4 (MANE Select); coding-DNA position 543, G replaced by A.
Protein change: p.Lys181=; no amino-acid change (lysine 181 retained).
Molecular consequence: synonymous variant. On other transcripts: non-coding transcript variant (4).
Genome position (GRCh38, 1-based): chr2:240,018,557, C>T on the plus strand (G>A on the coding strand, the complement: NDUFA10 is on the minus strand). VCF-style: chr2-240018557-C-T. GRCh37 (hg19) VCF-style: chr2-240957974-C-T.
Other names: c.543G>A, p.Lys181= (NM_001322019.2, NM_001322020.2, NM_001410987.1).
Identifiers: ClinVar variation 4282180 (VCV004282180.1).